The following is an entry in ClinVar:

NM_000051.4(ATM):c.8373C>G (p.Tyr2791Ter)

Genes: ATM (ATM serine/threonine kinase; plus strand), C11orf65 (chromosome 11 open reading frame 65; minus strand). Cytogenetic location: 11q22.3.
Variant type: single nucleotide variant.
Coding change: c.8373C>G on transcript NM_000051.4 (MANE Select); coding-DNA position 8373, C replaced by G.
Protein change: p.Tyr2791Ter; replaces tyrosine 2791 with a stop codon.
Molecular consequence: nonsense. On other transcripts: intron variant (2).
Genome position (GRCh38, 1-based): chr11:108,343,326, C>G. VCF-style: chr11-108343326-C-G. GRCh37 (hg19) VCF-style: chr11-108214053-C-G.
Other names: c.8373C>G, p.Tyr2791Ter (NM_001351834.2); c.641-34255G>C (NM_001330368.2); c.695-8034G>C (NM_001351110.2); short protein forms Y2791*.
Identifiers: ClinVar variation 650901 (VCV000650901.8), dbSNP rs1060504292, ClinGen allele CA382516530.

ClinVar aggregate classification (germline): Pathogenic. Review status: criteria provided, multiple submitters, no conflicts (2 of 4 stars). 4 submissions from 4 submitters: Pathogenic (4). Last evaluated 2025-02-24.

Conditions:
Hereditary cancer-predisposing syndrome. Also called: Tumor predisposition; Hereditary neoplastic syndrome; Neoplastic Syndromes, Hereditary; Hereditary Cancer Syndrome. Identifiers: Orphanet 140162, MedGen C0027672, MeSH D009386, MONDO:0015356.
Familial cancer of breast. Also called: Hereditary breast cancer; BREAST CANCER, FAMILIAL; hereditary breast carcinoma. Identifiers: Orphanet 227535, MedGen C0346153, MONDO:0016419, OMIM 114480. Disease mechanism: loss of function.
Ataxia-telangiectasia syndrome (AT). Also called: Ataxia-telangiectasia, complementation group D; AT, COMPLEMENTATION GROUP C; ATAXIA-TELANGIECTASIA, COMPLEMENTATION GROUP A; ATAXIA-TELANGIECTASIA, FRESNO VARIANT; Ataxia-telangiectasia; LOUIS-BAR SYNDROME. Identifiers: Orphanet 100, MedGen C0004135, MONDO:0008840, OMIM 208900.

Submissions (4):

Color Diagnostics, LLC DBA Color Health
Classification: Pathogenic for Hereditary cancer-predisposing syndrome. Last evaluated: 2025-02-24. Review status: criteria provided, single submitter. Criteria: ACMG Guidelines, 2015. Collection method: clinical testing. Allele origin: germline.
Comment: This variant changes 1 nucleotide in exon 57/63 of the ATM gene, creating a premature translation stop signal. This variant is expected to result in an absent or non-functional protein product. This variant has been observed in the compound heterozygous state in an individual affected with autosomal recessive ataxia-telangiectasia (PMID: 9792409), indicating that this variant contributes to disease. This variant has not been identified in the general population by the Genome Aggregation Database (gnomAD). Loss of ATM function is a known mechanism of disease. Based on the available evidence, this variant is classified as Pathogenic.

Myriad Genetics, Inc.
Classification: Pathogenic for Familial cancer of breast. Last evaluated: 2024-02-02. Review status: criteria provided, single submitter. Criteria: Myriad Autosomal Dominant, Autosomal Recessive and X-Linked Classification Criteria (2023). Collection method: clinical testing. Allele origin: unknown.
Comment: This variant is considered pathogenic. This variant creates a termination codon and is predicted to result in premature protein truncation.

Ambry Genetics
Classification: Pathogenic for Hereditary cancer-predisposing syndrome. Last evaluated: 2023-08-10. Review status: criteria provided, single submitter. Criteria: Ambry Variant Classification Scheme 2023. Collection method: clinical testing. Allele origin: germline.
Comment: The p.Y2791* pathogenic mutation (also known as c.8373C>G), located in coding exon 56 of the ATM gene, results from a C to G substitution at nucleotide position 8373. This changes the amino acid from a tyrosine to a stop codon within coding exon 56. This variant is considered to be rare based on population cohorts in the Genome Aggregation Database (gnomAD). This alteration is expected to result in loss of function by premature protein truncation or nonsense-mediated mRNA decay. As such, this alteration is interpreted as a disease-causing mutation.

Labcorp Genetics (formerly Invitae), Labcorp
Classification: Pathogenic for Ataxia-telangiectasia syndrome. Last evaluated: 2018-09-29. Review status: criteria provided, single submitter. Criteria: Invitae Variant Classification Sherloc (09022015). Collection method: clinical testing. Allele origin: germline.
Comment: For these reasons, this variant has been classified as Pathogenic. Loss-of-function variants in ATM are known to be pathogenic (PMID: 23807571, 25614872). This nonsense change has been reported in combination with another pathogenic ATM variant in an individual affected with ataxia telangiectasia (PMID: 9792409). This variant is not present in population databases (ExAC no frequency). This sequence change creates a premature translational stop signal (p.Tyr2791*) in the ATM gene. It is expected to result in an absent or disrupted protein product.

Literature cited by the submitters: PubMed 9792409 (cited by Color Diagnostics, LLC DBA Color Health and Labcorp Genetics (formerly Invitae), Labcorp); PubMed 23807571 (cited by Labcorp Genetics (formerly Invitae), Labcorp); PubMed 25614872 (cited by Labcorp Genetics (formerly Invitae), Labcorp).